The following is an entry in ClinVar:

ClinVar aggregate classification (germline): Uncertain significance (1 of 4 stars; one submission).

Conditions:
Primary CD59 deficiency. Also called: CD59-mediated hemolytic anemia with or without immune-mediated polyneuropathy; HEMOLYTIC ANEMIA, CD59-MEDIATED. Identifiers: Orphanet 169464, MedGen C2676767, MONDO:0012858, OMIM 612300.

Submission:

Neuberg Centre For Genomic Medicine, NCGM
Classification: Uncertain significance for Primary CD59 deficiency. Review status: criteria provided, single submitter. Criteria: ACMG Guidelines, 2015. Collection method: clinical testing. Allele origin: germline. Inheritance: Autosomal recessive inheritance. Affected: yes.
Comment: The frameshift c.286_295del (p.Phe96SerfsTer18) variant has not been reported previously as a pathogenic variant nor as a benign variant, to our knowledge. The p.Phe96SerfsTer18 variant is novel (not in any individuals) in gnomAD Exomes and is novel (not in any individuals) in 1000 Genomes. This variant causes a frameshift starting with codon Phenylalanine 96, changes this amino acid to Serine residue, and creates a premature Stop codon at position 18 of the new reading frame, denoted p.Phe96SerfsTer18. Loss of function variants have been previously reported to be disease causing. However since this variant is present in the last exon functional studies will be required to prove protein truncation. Hence the variant is classified as Uncertain Significance (VUS).

NM_000611.6(CD59):c.286_295del (p.Phe96fs)

Gene: CD59 (CD59 molecule (CD59 blood group); minus strand). Cytogenetic location: 11p13.
Variant type: Deletion.
Coding change: c.286_295del on transcript NM_000611.6 (MANE Select); coding-DNA positions 286 to 295, 10 bases deleted (TTTAACGAAC; older notation c.286_295delTTTAACGAAC).
Protein change: p.Phe96fs; shifts the reading frame from phenylalanine 96.
Molecular consequence: frameshift variant.
Genome position (GRCh38, 1-based): chr11:33,710,218-33,710,227, GTTCGTTAAA deleted on the plus strand (TTTAACGAAC on the coding strand, the reverse complement: CD59 is on the minus strand); deleting any 10 consecutive bases within chr11:33,710,218-33,710,230 gives the same sequence; the c. name uses the placement nearest the transcript's 3' end. VCF-style (leftmost placement, unchanged base first): chr11-33710217-TGTTCGTTAAA-T. GRCh37 (hg19) VCF-style: chr11-33731763-TGTTCGTTAAA-T.
Other names: c.286_295del, p.Phe96fs (NM_001127223.1, NM_001127225.2, NM_001127226.2 and 4 more transcripts); short protein forms F96fs.
Identifiers: ClinVar variation 2585022 (VCV002585022.1), dbSNP rs2495426631, ClinGen allele CA2582341865.